The following is an entry in ClinVar:

NM_024422.6(DSC2):c.397G>T (p.Ala133Ser)

Gene: DSC2 (desmocollin 2; minus strand). Cytogenetic location: 18q12.1.
Variant type: single nucleotide variant.
Coding change: c.397G>T on transcript NM_024422.6 (MANE Select); coding-DNA position 397, G replaced by T.
Protein change: p.Ala133Ser; replaces alanine 133 with serine.
Molecular consequence: missense variant. On other transcripts: 5 prime UTR variant (2).
Genome position (GRCh38, 1-based): chr18:31,091,105, C>A on the plus strand (G>T on the coding strand, the complement: DSC2 is on the minus strand). VCF-style: chr18-31091105-C-A. GRCh37 (hg19) VCF-style: chr18-28671068-C-A.
Other names: c.-33G>T (NM_001406506.1, NM_001406507.1); c.397G>T, p.Ala133Ser (NM_004949.5); short protein forms A133S.
Identifiers: ClinVar variation 3073216 (VCV003073216.1), dbSNP rs200218585, ClinGen allele CA402114368.

ClinVar aggregate classification (germline): Uncertain significance (1 of 4 stars; one submission).

Conditions:
Familial isolated arrhythmogenic right ventricular dysplasia. Identifiers: Orphanet 217656, MedGen C4274968, MONDO:0016342.

Submission:

All of Us Research Program, National Institutes of Health
Classification: Uncertain significance for Familial isolated arrhythmogenic right ventricular dysplasia. Last evaluated: 2023-08-28. Review status: criteria provided, single submitter. Criteria: ACMG Guidelines, 2015. Collection method: clinical testing. Allele origin: germline. Inheritance: Autosomal dominant inheritance. Observed: 1 variant allele, 1 heterozygote.
Comment: This missense variant replaces alanine with serine at codon 133 of the DSC2 protein. Computational prediction suggests that this variant may not impact protein structure and function (internally defined REVEL score threshold <= 0.5, PMID: 27666373). To our knowledge, functional studies have not been reported for this variant. This variant has not been reported in individuals affected with cardiovascular disorders in the literature. This variant has not been identified in the general population by the Genome Aggregation Database (gnomAD). The available evidence is insufficient to determine the role of this variant in disease conclusively. Therefore, this variant is classified as a Variant of Uncertain Significance.

This study involves interpretation of variants in research participants for the purpose of population health screening. Participant phenotype was not available at the time of variant classification. Additional details can be found in publication PMID: 35346344, PMCID: PMC8962531